The following is an entry in ClinVar:

NM_015041.3(CLUAP1):c.994C>T (p.Arg332Trp)

Gene: CLUAP1 (clusterin associated protein 1; plus strand). Cytogenetic location: 16p13.3.
Variant type: single nucleotide variant.
Coding change: c.994C>T on transcript NM_015041.3 (MANE Select); coding-DNA position 994, C replaced by T.
Protein change: p.Arg332Trp; replaces arginine 332 with tryptophan.
Molecular consequence: missense variant.
Genome position (GRCh38, 1-based): chr16:3,530,633, C>T. VCF-style: chr16-3530633-C-T. GRCh37 (hg19) VCF-style: chr16-3580633-C-T.
Other names: c.994C>T, p.Arg332Trp (NM_001330454.2); c.496C>T, p.Arg166Trp (NM_024793.3); short protein forms R166W, R332W.
Identifiers: ClinVar variation 1419444 (VCV001419444.6), dbSNP rs751298124, ClinGen allele CA7863933.

ClinVar aggregate classification (germline): Uncertain significance (1 of 4 stars; one submission).

Allele frequency attached by ClinVar (database versions not stated): gnomAD exomes 0.00002 and 0.00006; ExAC 0.00004.
gnomAD v4.1: 28 of 1,613,674 alleles (0.0017%); highest among the groups gnomAD compares: East Asian, 0.022%; no homozygotes.

Submission:

Labcorp Genetics (formerly Invitae), Labcorp
Classification: Uncertain significance. Last evaluated: 2025-07-10. Review status: criteria provided, single submitter. Criteria: Invitae Variant Classification Sherloc (09022015). Collection method: clinical testing. Allele origin: germline.
Comment: This sequence change replaces arginine, which is basic and polar, with tryptophan, which is neutral and slightly polar, at codon 332 of the CLUAP1 protein (p.Arg332Trp). This variant is present in population databases (rs751298124, gnomAD 0.05%). This variant has not been reported in the literature in individuals affected with CLUAP1-related conditions. ClinVar contains an entry for this variant (Variation ID: 1419444). Invitae Evidence Modeling of protein sequence and biophysical properties (such as structural, functional, and spatial information, amino acid conservation, physicochemical variation, residue mobility, and thermodynamic stability) has been performed for this missense variant. However, the output from this modeling did not meet the statistical confidence thresholds required to predict the impact of this variant on CLUAP1 protein function. In summary, the available evidence is currently insufficient to determine the role of this variant in disease. Therefore, it has been classified as a Variant of Uncertain Significance.